The following is an entry in ClinVar:

ClinVar aggregate classification (germline): Conflicting classifications of pathogenicity. Review status: criteria provided, conflicting classifications (1 of 4 stars). 12 submissions from 12 submitters: Pathogenic (4); Likely pathogenic (3); Uncertain significance (3). 2 of the submissions do not count toward it. Last evaluated 2025-09-29.

Conditions:
PKD1-related disorder. Also called: PKD1-related condition.
Autosomal dominant polycystic kidney disease. Identifiers: Orphanet 730, MedGen C0085413, MONDO:0004691.
Polycystic kidney disease, adult type (PKD1). Also called: POLYCYSTIC KIDNEY DISEASE, ADULT, TYPE I; Polycystic Kidney Disease 1, Autosomal Dominant; Polycystic kidney disease 1; Polycystic kidney disease 1, severe; Polycystic Kidney, Autosomal Dominant; POLYCYSTIC KIDNEY DISEASE 1 WITH OR WITHOUT POLYCYSTIC LIVER DISEASE. Identifiers: MedGen C3149841, MONDO:0008263, OMIM 173900.
Polycystic kidney disease. Also called: Kidney, Polycystic; Polycystic kidney dysplasia. Identifiers: MedGen C0022680, MeSH D007690, MONDO:0020642, HP:0000113.

Allele frequency attached by ClinVar (database versions not stated): gnomAD exomes below 0.00001.
gnomAD v4.1: 1 of 1,578,538 alleles (0.000063%); highest among the groups gnomAD compares: Non-Finnish European, 0.000086%; no homozygotes.

Submissions (12):

Department of Human Genetics, Hannover Medical School
Classification: Likely pathogenic for Polycystic kidney disease, adult type. Last evaluated: 2025-09-29. Review status: criteria provided, single submitter. Criteria: ACMG Guidelines, 2015. Collection method: clinical testing. Allele origin: germline. Affected: yes.
Comment: PS4_moderate, PM2_Supporting, PP4_Strong, BP4

PreventionGenetics, part of Exact Sciences
Classification: Pathogenic for PKD1-related condition. Last evaluated: 2025-07-28. Review status: criteria provided, single submitter. Criteria: ACMG Guidelines, 2015. Collection method: clinical testing. Allele origin: germline.
Comment: The PKD1 c.1396G>A variant is predicted to result in the amino acid substitution p.Val466Met. This variant has been repeatedly reported in individuals with autosomal dominant polycystic kidney disease (ADPKD) (de novo in Orisio et al. 2023. PubMed ID: 37231942; Table S3 and S6, Hwang et al. 2016. PubMed ID: 26453610; Supplementary Table S6C, Kim et al. 2019. PubMed ID: 31740684; Table S2, Schönauer et al. 2020. PubMed ID: 32398770; Table S1, Mallawaarachchi et al. 2021. PubMed ID: 33437033; Topak et al. 2023. PubMed ID: 37078890; Saglia et al. 2023. PubMed ID: 38012624). In addition, we have previously found this variant in multiple patients tested for PKD at PreventionGenetics (internal data). This variant has not been reported in a large population database (gnomAD), indicating this variant is rare. This variant is interpreted as pathogenic.

Women's Health and Genetics/Laboratory Corporation of America, LabCorp
Classification: Pathogenic for Polycystic kidney disease, adult type. Last evaluated: 2025-06-27. Review status: criteria provided, single submitter. Criteria: LabCorp Variant Classification Summary - May 2015. Collection method: clinical testing. Allele origin: germline.
Comment: Variant summary: PKD1 c.1396G>A (p.Val466Met) results in a conservative amino acid change in the encoded protein sequence. Algorithms developed to predict the effect of missense changes on protein structure and function are either unavailable or do not agree on the potential impact of this missense change. The variant was absent in 127600 control chromosomes. c.1396G>A has been observed in multiple individuals affected with Polycystic Kidney Disease 1 (Hwang_2015, Topak_2024, Mallawaarachchi_2021, Orisio_2024). One publication describes the variant segregating with disease in a family, and another describes a do novo patient. These data indicate that the variant is very likely to be associated with disease. To our knowledge, no experimental evidence demonstrating an impact on protein function has been reported. The following publications have been ascertained in the context of this evaluation (PMID: 26453610, 37078890, 33437033, 37231942). ClinVar contains an entry for this variant (Variation ID: 447971). Based on the evidence outlined above, the variant was classified as pathogenic.

Victorian Clinical Genetics Services, Murdoch Childrens Research Institute
Classification: Pathogenic for Polycystic kidney disease, adult type. Last evaluated: 2025-04-02. Review status: criteria provided, single submitter. Criteria: ACMG Guidelines, 2015. Collection method: clinical testing. Allele origin: germline. Affected: yes.
Comment: This variant is classified as Pathogenic. Evidence in support of pathogenic classification: Variant is present in gnomAD <0.001 for a dominant condition (v4: 1 heterozygote(s), 0 homozygote(s); This variant has strong previous evidence of pathogenicity in unrelated individuals. This variant has been reported as pathogenic, likely pathogenic and as a VUS, and has been described in at least five unrelated individuals with polycystic kidney disease (PKD) (ClinVar, DECIPHER,, VCGS; PMID: 17582161, 31740684, 26453610, 29270497, 37078890, 38012624, 37231942). Additional information: Variant is predicted to result in a missense amino acid change from valine to methionine; This variant is heterozygous; This gene is associated with autosomal dominant disease. Polycystic kidney disease 1 (MIM#173900) is predominantly caused by monoallelic variants, with rare reports of biallelic variants causing disease (OMIM); An alternative amino acid change at the same position has been observed in gnomAD (v4) (26 heterozygotes, 0 homozygotes); Segregation evidence for this variant is inconclusive. This variant has been reported to segregate in a family; however, there is insufficient evidence of each relative's phenotype (PMID: 26453610); No published functional evidence has been identified for this variant; Another missense variant comparable to the one identified in this case has inconclusive previous evidence for pathogenicity. p.(Val466Leu) has been classified as likely pathogenic by a clinical laboratory in ClinVar and as a VUS in the PKD database. It was also reported in the literature in an individual with PKD who also harboured a splice variant in the PKD1 gene (PMID: 17582161); Variant is located in the annotated lectin C-type domain (DECIPHER). - Missense variant with inconclusive in silico prediction and/or uninformative conservation; Loss of function is a known mechanism of disease in this gene and is associated with polycystic kidney disease 1 (MIM#173900); Inheritance information for this variant is not currently available in this individual.

Fulgent Genetics
Classification: Pathogenic for Polycystic kidney disease, adult type. Last evaluated: 2024-03-06. Review status: criteria provided, single submitter. Criteria: ACMG Guidelines, 2015. Collection method: clinical testing. Allele origin: germline.

GeneDx
Classification: Uncertain significance. Last evaluated: 2022-02-21. Review status: criteria provided, single submitter. Criteria: GeneDx Variant Classification Process June 2021. Collection method: clinical testing. Allele origin: germline. Affected: yes.
Comment: Not observed at significant frequency in large population cohorts (gnomAD); In silico analysis supports that this missense variant does not alter protein structure/function; This variant is associated with the following publications: (PMID: 32398770, 26453610, 31740684, 33437033, 17582161, 29270497)

Blueprint Genetics
Classification: Likely pathogenic for PKD1-related disorders. Last evaluated: 2019-07-31. Review status: criteria provided, single submitter. Criteria: ACMG Guidelines, 2015. Collection method: clinical testing. Allele origin: germline. Affected: yes. Observed: 1 variant allele.

Molecular Genetics of Inherited Kidney Disorders Laboratory, Garvan Institute of Medical Research
Classification: Uncertain significance for Autosomal dominant polycystic kidney disease. Last evaluated: 2019-01-01. Review status: criteria provided, single submitter. Criteria: ACMG Guidelines, 2015. Collection method: research. Allele origin: germline. Affected: yes.

Athena Diagnostics
Classification: Likely pathogenic. Last evaluated: 2016-06-28. Review status: criteria provided, single submitter. Criteria: Athena Diagnostics Criteria. Collection method: clinical testing. Allele origin: germline.

Juno Genomics, Hangzhou Juno Genomics, Inc
Classification: Uncertain significance for Polycystic kidney disease, adult type. Review status: criteria provided, single submitter. Criteria: ACMG Guidelines, 2015. Collection method: clinical testing. Allele origin: germline. Affected: yes.
Comment: Absent from controls (or at extremely low frequency if recessive) in Genome Aggregation Database, Exome Sequencing Project, 1000 Genomes Project, or Exome Aggregation Consortium.;Multiple lines of computational evidence suggest no impact on gene or gene product (conservation, evolutionary, splicing impact, etc).;The prevalence of the variant in affected individuals is significantly increased compared to the prevalence in controls.;Co-segregation with disease in multiple affected family members in a gene definitively known to cause the disease.;Patient's phenotype or family history is highly specific for a disease with a single genetic etiology.

Immunogenetics and Transplant Biology Service, University Hospital "Città della Salute e della Scienza di Torino"
Classification: Likely pathogenic for Polycystic kidney disease, adult type. Last evaluated: 2023-07-03. Review status: no assertion criteria provided. Collection method: clinical testing. Allele origin: germline. Affected: yes. Not counted in ClinVar's aggregate classification.

Department of Pathology and Laboratory Medicine, Sinai Health System
Classification: Uncertain significance for Polycystic Kidney disease. Review status: no assertion criteria provided. Collection method: clinical testing. Allele origin: unknown. Affected: yes. Study: The Canadian Open Genetics Repository (COGR). Not counted in ClinVar's aggregate classification.
Comment: The PKD1 p.Val466Met variant was identified in 2 of 844 proband chromosomes (frequency: 0.002) from individuals or families with ADPKD (Rosetti, 2007,Hwang, 2016). The variant was also identified in dbSNP (ID: rs2855341) as â€šÃ„ÃºWith Likely pathogenic alleleâ€šÃ„Ã¹, ClinVar (classified as likely pathogenic by Athena Diagnostics), ADPKD Mutation Database (classified as indeterminate, including a reference to the unpublished classification from Athena Diagnostics and to Rosetti, 2007).The variant was not identified in the LOVD 3.0 or PKD1-LOVD databases. The variant was not identified in the following control databases: the Exome Aggregation Consortium (August 8th 2016), or the Genome Aggregation Database (Feb 27, 2017). The p.Val466Met variant was observed in one ADPKD individual in a study which observed a second individual with a substitution to leucine at the same residue, suggesting significance, however both changes are highly conservative and the residue is considered to be not well conserved, so both substitutions were classified as indeterminate (Rosetti, 2007). The p.Val466 residue is conserved in mammals but not in more distantly related organisms however four out of five computational analyses (PolyPhen-2, SIFT, AlignGVGD, BLOSUM, MutationTaster) do not suggest a high likelihood of impact to the protein; this information is not predictive enough to rule out pathogenicity. The variant occurs outside of the splicing consensus sequence and in silico or computational prediction software programs (SpliceSiteFinder, MaxEntScan, NNSPLICE, GeneSplicer) do not predict a difference in splicing. In summary, based on the above information the clinical significance of this variant cannot be determined with certainty at this time. This variant is classified as a variant of uncertain significance.

Literature cited by the submitters: PubMed 33437033 (cited by Women's Health and Genetics/Laboratory Corporation of America, LabCorp); PubMed 26453610 (cited by Women's Health and Genetics/Laboratory Corporation of America, LabCorp and Victorian Clinical Genetics Services, Murdoch Childrens Research Institute); PubMed 37078890 (cited by Women's Health and Genetics/Laboratory Corporation of America, LabCorp and Victorian Clinical Genetics Services, Murdoch Childrens Research Institute); PubMed 37231942 (cited by Women's Health and Genetics/Laboratory Corporation of America, LabCorp and Victorian Clinical Genetics Services, Murdoch Childrens Research Institute); PubMed 17582161 (cited by Victorian Clinical Genetics Services, Murdoch Childrens Research Institute and Athena Diagnostics); PubMed 29270497 (cited by Victorian Clinical Genetics Services, Murdoch Childrens Research Institute); PubMed 38012624 (cited by Victorian Clinical Genetics Services, Murdoch Childrens Research Institute); PubMed 31740684 (cited by Victorian Clinical Genetics Services, Murdoch Childrens Research Institute).

NM_001009944.3(PKD1):c.1396G>A (p.Val466Met)

Gene: PKD1 (polycystin 1, transient receptor potential channel interacting; minus strand). Cytogenetic location: 16p13.3.
Variant type: single nucleotide variant.
Coding change: c.1396G>A on transcript NM_001009944.3 (MANE Select); coding-DNA position 1396, G replaced by A.
Protein change: p.Val466Met; replaces valine 466 with methionine.
Molecular consequence: missense variant.
Genome position (GRCh38, 1-based): chr16:2,117,043, C>T on the plus strand (G>A on the coding strand, the complement: PKD1 is on the minus strand). VCF-style: chr16-2117043-C-T. GRCh37 (hg19) VCF-style: chr16-2167044-C-T.
Other names: c.1396G>A, p.Val466Met (NM_000296.4); short protein forms V466M.
Identifiers: ClinVar variation 447971 (VCV000447971.15), dbSNP rs2855341, ClinGen allele CA276783285.
Genomic context (GRCh38, chr16:2,117,043, plus strand): 5'-CCTCGCCCTGCGGCGCTGGGCCCACCTCCACCCCCTGCACAGTCGAGAAGCCGATCCACA[C>T]GTCTAGGCTCCTGGGGGCGGGTGTGGGATGGCAGGGGGCTCAGGGCACTCCTCCATCCTC-3'
Protein context (NP_001009944.3, residues 456-476): LVSRVTRSLD[Val466Met]WIGFSTVQGV